The following is an entry in ClinVar:

NM_000541.5(SAG):c.668C>G (p.Pro223Arg)

Gene: SAG (S-antigen visual arrestin; plus strand). Cytogenetic location: 2q37.1.
Variant type: single nucleotide variant.
Coding change: c.668C>G on transcript NM_000541.5 (MANE Select); coding-DNA position 668, C replaced by G.
Protein change: p.Pro223Arg; replaces proline 223 with arginine.
Molecular consequence: missense variant.
Genome position (GRCh38, 1-based): chr2:233,329,512, C>G. VCF-style: chr2-233329512-C-G. GRCh37 (hg19) VCF-style: chr2-234238158-C-G.
Other names: short protein forms P223R.
Identifiers: ClinVar variation 1014156 (VCV001014156.9), dbSNP rs774169535, ClinGen allele CA2174484.

ClinVar aggregate classification (germline): Uncertain significance. Review status: criteria provided, multiple submitters, no conflicts (2 of 4 stars). 2 submissions from 2 submitters: Uncertain significance (2). Last evaluated 2025-04-16.

Allele frequency attached by ClinVar (database versions not stated): gnomAD 0.00001; ExAC 0.00003; TOPMed 0.00003; gnomAD exomes 0.00004 and 0.00005.
gnomAD v4.1: 66 of 1,612,570 alleles (0.0041%); highest among the groups gnomAD compares: Non-Finnish European, 0.0053%; no homozygotes.

Submissions (2):

Labcorp Genetics (formerly Invitae), Labcorp
Classification: Uncertain significance. Last evaluated: 2025-04-16. Review status: criteria provided, single submitter. Criteria: Invitae Variant Classification Sherloc (09022015). Collection method: clinical testing. Allele origin: germline.
Comment: This sequence change replaces proline, which is neutral and non-polar, with arginine, which is basic and polar, at codon 223 of the SAG protein (p.Pro223Arg). This variant is present in population databases (rs774169535, gnomAD 0.01%). This missense change has been observed in individual(s) with inherited retinal dystrophy (internal data). ClinVar contains an entry for this variant (Variation ID: 1014156). Invitae Evidence Modeling of protein sequence and biophysical properties (such as structural, functional, and spatial information, amino acid conservation, physicochemical variation, residue mobility, and thermodynamic stability) indicates that this missense variant is not expected to disrupt SAG protein function with a negative predictive value of 80%. In summary, the available evidence is currently insufficient to determine the role of this variant in disease. Therefore, it has been classified as a Variant of Uncertain Significance.

Blueprint Genetics
Classification: Uncertain significance. Last evaluated: 2024-11-14. Review status: criteria provided, single submitter. Criteria: ACMG Guidelines, 2015. Collection method: clinical testing. Allele origin: germline.